The following is an entry in ClinVar:

ClinVar aggregate classification (germline): Uncertain significance (1 of 4 stars; one submission).

Conditions:
Tolchin-Le Caignec syndrome. Also called: INTELLECTUAL DEVELOPMENTAL DISORDER WITH BEHAVIORAL ABNORMALITIES AND VARIABLE BONE DEFECTS. Identifiers: MedGen C5436509, MONDO:0033544, OMIM 618971.

Submission:

Laboratorio de Genetica e Diagnostico Molecular, Hospital Israelita Albert Einstein
Classification: Uncertain significance for Tolchin-Le Caignec syndrome. Last evaluated: 2024-05-10. Review status: criteria provided, single submitter. Criteria: ACMG Guidelines, 2015. Collection method: clinical testing. Allele origin: germline. Affected: yes.
Comment: ACMG classification criteria: PM2 supporting, PP2 supporting, BP4 supporting

NM_001367873.1(SOX6):c.2186A>C (p.Gln729Pro)

Gene: SOX6 (SRY-box transcription factor 6; minus strand). Cytogenetic location: 11p15.2.
Variant type: single nucleotide variant.
Coding change: c.2186A>C on transcript NM_001367873.1 (MANE Select); coding-DNA position 2186, A replaced by C.
Protein change: p.Gln729Pro; replaces glutamine 729 with proline.
Molecular consequence: missense variant.
Genome position (GRCh38, 1-based): chr11:15,973,110, T>G on the plus strand (A>C on the coding strand, the complement: SOX6 is on the minus strand). VCF-style: chr11-15973110-T-G. GRCh37 (hg19) VCF-style: chr11-15994656-T-G.
Other names: c.2105A>C, p.Gln702Pro (NM_001145811.2, NM_017508.3); c.2186A>C, p.Gln729Pro (NM_001145819.2); c.2063A>C, p.Gln688Pro (NM_001367872.1); c.2126A>C, p.Gln709Pro (NM_033326.3); short protein forms Q688P, Q702P, Q709P, Q729P.
Identifiers: ClinVar variation 4076201 (VCV004076201.1).